The following is an entry in ClinVar:

ClinVar aggregate classification (germline): Pathogenic (1 of 4 stars; one submission).

Conditions:
Primary ciliary dyskinesia 3. Identifiers: Orphanet 244, MedGen C1837618, MONDO:0012085, OMIM 608644.

Submission:

Myriad Genetics, Inc.
Classification: Pathogenic for Primary ciliary dyskinesia 3. Last evaluated: 2024-05-14. Review status: criteria provided, single submitter. Criteria: Myriad Autosomal Dominant, Autosomal Recessive and X-Linked Classification Criteria (2023). Collection method: clinical testing. Allele origin: unknown.
Comment: NM_001369.2(DNAH5):c.833_834insCATT(D279Ifs*3) is expected to be pathogenic in the context of primary ciliary dyskinesia, DNAH5-related. This variant is predicted to lead to an abnormal or absent protein product due to the creation of a premature termination codon in DNAH5, a gene where loss-of-function variants are known to be pathogenic. Please note: this variant was assessed in the context of healthy population screening.

NM_001369.3(DNAH5):c.833_834insCATT (p.Asp279fs)

Gene: DNAH5 (dynein axonemal heavy chain 5; minus strand). Cytogenetic location: 5p15.2.
Variant type: Insertion.
Coding change: c.833_834insCATT on transcript NM_001369.3 (MANE Select); coding-DNA positions 833 to 834, CATT inserted.
Protein change: p.Asp279fs; shifts the reading frame from aspartic acid 279.
Molecular consequence: frameshift variant.
Genome position: GRCh38 VCF-style: chr5-13919317-C-CAATG. GRCh37 (hg19) VCF-style: chr5-13919426-C-CAATG.
Other names: short protein forms D279fs.
Identifiers: ClinVar variation 5011031 (VCV005011031.1).